The following is an entry in ClinVar:

NM_032634.4(PIGO):c.572C>T (p.Ser191Phe)

Gene: PIGO (phosphatidylinositol glycan anchor biosynthesis class O; minus strand). Cytogenetic location: 9p13.3.
Variant type: single nucleotide variant.
Coding change: c.572C>T on transcript NM_032634.4 (MANE Select); coding-DNA position 572, C replaced by T.
Protein change: p.Ser191Phe; replaces serine 191 with phenylalanine.
Molecular consequence: missense variant.
Genome position (GRCh38, 1-based): chr9:35,094,299, G>A on the plus strand (C>T on the coding strand, the complement: PIGO is on the minus strand). VCF-style: chr9-35094299-G-A. GRCh37 (hg19) VCF-style: chr9-35094296-G-A.
Other names: c.572C>T, p.Ser191Phe (NM_001201484.2, NM_152850.4); short protein forms S191F.
Identifiers: ClinVar variation 653842 (VCV000653842.10), dbSNP rs779897930, ClinGen allele CA5040902.
Genomic context (GRCh38, chr9:35,094,299, plus strand): 5'-ATGCCATTGTCCACTGTGTCTAGGTCTCTGACATTGAAGGATGGGAAGAAGAAAGCTTTG[G>A]AGAAAGCACCAGGGAAAAGGTCTTTCCAGGTATCATCTCCCATGAAGACTACACGCCTTC-3'
Protein context (NP_116023.2, residues 181-201): TWKDLFPGAF[Ser191Phe]KAFFFPSFNV

ClinVar aggregate classification (germline): Conflicting classifications of pathogenicity. Review status: criteria provided, conflicting classifications (1 of 4 stars). 3 submissions from 3 submitters: Uncertain significance (1); Likely benign (2). Last evaluated 2025-12-05.

Conditions:
Hyperphosphatasia with impaired intellectual development syndrome 2. Also called: Hyperphosphatasia with intellectual disability syndrome 2; GLYCOSYLPHOSPHATIDYLINOSITOL BIOSYNTHESIS DEFECT 6. Identifiers: Orphanet 247262, MedGen C3553637, MONDO:0013882, OMIM 614749.
PIGO-related disorder. Also called: PIGO-related condition.

Allele frequency attached by ClinVar (database versions not stated): gnomAD 0.00003 and below 0.00001; ExAC 0.00026; TOPMed 0.00001; gnomAD exomes 0.00020.

Submissions (3):

Labcorp Genetics (formerly Invitae), Labcorp
Classification: Likely benign for Hyperphosphatasia with impaired intellectual development syndrome 2. Last evaluated: 2025-12-05. Review status: criteria provided, single submitter. Criteria: Invitae Variant Classification Sherloc (09022015). Collection method: clinical testing. Allele origin: germline.

PreventionGenetics, part of Exact Sciences
Classification: Likely benign for PIGO-related condition. Last evaluated: 2025-01-25. Review status: criteria provided, single submitter. Criteria: ACMG Guidelines, 2015. Collection method: clinical testing. Allele origin: germline.
Comment: This variant is classified as likely benign based on ACMG/AMP sequence variant interpretation guidelines (Richards et al. 2015 PMID: 25741868, with internal and published modifications).

Blueprint Genetics
Classification: Uncertain significance. Last evaluated: 2024-07-01. Review status: criteria provided, single submitter. Criteria: ACMG Guidelines, 2015. Collection method: clinical testing. Allele origin: germline.